The following is an entry in ClinVar:

NM_020746.5(MAVS):c.1266C>T (p.Gly422=)

Gene: MAVS (mitochondrial antiviral signaling protein; plus strand). Cytogenetic location: 20p13.
Variant type: single nucleotide variant.
Coding change: c.1266C>T on transcript NM_020746.5 (MANE Select); coding-DNA position 1266, C replaced by T.
Protein change: p.Gly422=; no amino-acid change (glycine 422 retained).
Molecular consequence: synonymous variant. On other transcripts: non-coding transcript variant (1).
Genome position (GRCh38, 1-based): chr20:3,865,790, C>T. VCF-style: chr20-3865790-C-T. GRCh37 (hg19) VCF-style: chr20-3846437-C-T.
Other names: c.843C>T, p.Gly281= (NM_001206491.2, NM_001385663.1).
Identifiers: ClinVar variation 2652191 (VCV002652191.24), dbSNP rs566820818, ClinGen allele CA9750332.

ClinVar aggregate classification (germline): Likely benign (1 of 4 stars; one submission).

Allele frequency attached by ClinVar (database versions not stated): TOPMed 0.00003; gnomAD exomes 0.00012; gnomAD 0.00013; ExAC 0.00019; 1000 Genomes Project 30x 0.00031; 1000 Genomes Project 0.00040.
gnomAD v4.1: 193 of 1,613,832 alleles (0.012%); highest among the groups gnomAD compares: Middle Eastern, 0.099%; 1 homozygote.

Submission:

CeGaT Center for Human Genetics Tuebingen
Classification: Likely benign. Last evaluated: 2022-12-01. Review status: criteria provided, single submitter. Criteria: CeGaT Center For Human Genetics Tuebingen Variant Classification Criteria Version 2. Collection method: clinical testing. Allele origin: germline. Affected: yes. Observed: 1 variant allele.
Comment: MAVS: BP4, BP7